The following is an entry in ClinVar:

ClinVar aggregate classification (germline): Likely benign. Review status: criteria provided, multiple submitters, no conflicts (2 of 4 stars). 3 submissions from 3 submitters: Likely benign (3). Last evaluated 2025-05-18.

Conditions:
Long QT syndrome (LQTS). Identifiers: MedGen C0023976, MeSH D008133, MONDO:0002442. Disease mechanism: loss of function. Inheritance: Various modes of inheritance.

Allele frequency attached by ClinVar (database versions not stated): gnomAD exomes below 0.00001 and 0.00001; ExAC 0.00001; gnomAD 0.00001; TOPMed 0.00002.
gnomAD v4.1: 13 of 1,613,920 alleles (0.00081%); highest among the groups gnomAD compares: African/African-American, 0.004%; no homozygotes.

Submissions (3):

Labcorp Genetics (formerly Invitae), Labcorp
Classification: Likely benign for Long QT syndrome. Last evaluated: 2025-05-18. Review status: criteria provided, single submitter. Criteria: Invitae Variant Classification Sherloc (09022015). Collection method: clinical testing. Allele origin: germline.

CeGaT Center for Human Genetics Tuebingen
Classification: Likely benign. Last evaluated: 2023-06-01. Review status: criteria provided, single submitter. Criteria: CeGaT Center For Human Genetics Tuebingen Variant Classification Criteria Version 2. Collection method: clinical testing. Allele origin: germline. Affected: yes. Observed: 1 variant allele.
Comment: ANK2: BP4, BP7

GeneDx
Classification: Likely benign. Last evaluated: 2017-11-22. Review status: criteria provided, single submitter. Criteria: GeneDx Variant Classification (06012015). Collection method: clinical testing. Allele origin: germline. Affected: yes.
Comment: This variant is considered likely benign or benign based on one or more of the following criteria: it is a conservative change, it occurs at a poorly conserved position in the protein, it is predicted to be benign by multiple in silico algorithms, and/or has population frequency not consistent with disease.

NM_001148.6(ANK2):c.11556C>T (p.Ala3852=)

Gene: ANK2 (ankyrin 2; plus strand). Cytogenetic location: 4q26.
Variant type: single nucleotide variant.
Coding change: c.11556C>T on transcript NM_001148.6 (MANE Select); coding-DNA position 11556, C replaced by T.
Protein change: p.Ala3852=; no amino-acid change (alanine 3852 retained).
Molecular consequence: synonymous variant.
Genome position (GRCh38, 1-based): chr4:113,369,751, C>T. VCF-style: chr4-113369751-C-T. GRCh37 (hg19) VCF-style: chr4-114290907-C-T.
Other names: c.5274C>T, p.Ala1758= (NM_001127493.3); c.5313C>T, p.Ala1771= (NM_001354225.2); c.5202C>T, p.Ala1734= (NM_001354228.2, NM_001354258.2); c.5280C>T, p.Ala1760= (NM_001354230.2); c.5343C>T, p.Ala1781= (NM_001354231.2, NM_001354242.2); c.5337C>T, p.Ala1779= (NM_001354232.2); c.5298C>T, p.Ala1766= (NM_001354235.2, NM_001354246.2, NM_001354265.2); c.5199C>T, p.Ala1733= (NM_001354236.2); and 35 more.
Identifiers: ClinVar variation 516221 (VCV000516221.32), dbSNP rs751064768, ClinGen allele CA3052302.